The following is an entry in ClinVar:

ClinVar aggregate classification (germline): Uncertain significance (1 of 4 stars; one submission).

Submission:

Labcorp Genetics (formerly Invitae), Labcorp
Classification: Uncertain significance. Last evaluated: 2022-03-21. Review status: criteria provided, single submitter. Criteria: Invitae Variant Classification Sherloc (09022015). Collection method: clinical testing. Allele origin: germline.
Comment: This variant is not present in population databases (gnomAD no frequency). In summary, the available evidence is currently insufficient to determine the role of this variant in disease. Therefore, it has been classified as a Variant of Uncertain Significance. Algorithms developed to predict the effect of missense changes on protein structure and function are either unavailable or do not agree on the potential impact of this missense change (SIFT: "Tolerated"; PolyPhen-2: "Probably Damaging"; Align-GVGD: "Class C0"). This variant has not been reported in the literature in individuals affected with HSD3B2-related conditions. This sequence change replaces histidine, which is basic and polar, with glutamine, which is neutral and polar, at codon 261 of the HSD3B2 protein (p.His261Gln).

NM_000198.4(HSD3B2):c.783C>A (p.His261Gln)

Gene: HSD3B2 (hydroxy-delta-5-steroid dehydrogenase, 3 beta- and steroid delta-isomerase 2; plus strand). Cytogenetic location: 1p12.
Variant type: single nucleotide variant.
Coding change: c.783C>A on transcript NM_000198.4 (MANE Select); coding-DNA position 783, C replaced by A.
Protein change: p.His261Gln; replaces histidine 261 with glutamine.
Molecular consequence: missense variant.
Genome position (GRCh38, 1-based): chr1:119,422,284, C>A. VCF-style: chr1-119422284-C-A. GRCh37 (hg19) VCF-style: chr1-119964907-C-A.
Other names: c.783C>A, p.His261Gln (NM_001166120.2); short protein forms H261Q.
Identifiers: ClinVar variation 2115538 (VCV002115538.4), dbSNP rs1651910559, ClinGen allele CA341398333.
Genomic context (GRCh38, chr1:119,422,284, plus strand): 5'-CCCCAAGAAGGCCCCAAGTGTCCGAGGTCAATTCTATTACATCTCAGATGACACGCCTCA[C>A]CAAAGCTATGATAACCTTAATTACATCCTGAGCAAAGAGTTTGGCCTCCGCCTTGATTCC-3'
Protein context (NP_000189.1, residues 251-271): QFYYISDDTP[His261Gln]QSYDNLNYIL